The following is an entry in ClinVar:

NM_016507.4(CDK12):c.1231G>T (p.Ala411Ser)

Gene: CDK12 (cyclin dependent kinase 12; plus strand). Cytogenetic location: 17q12.
Variant type: single nucleotide variant.
Coding change: c.1231G>T on transcript NM_016507.4 (MANE Select); coding-DNA position 1231, G replaced by T.
Protein change: p.Ala411Ser; replaces alanine 411 with serine.
Molecular consequence: missense variant.
Genome position (GRCh38, 1-based): chr17:39,471,063, G>T. VCF-style: chr17-39471063-G-T. GRCh37 (hg19) VCF-style: chr17-37627316-G-T.
Other names: c.1231G>T, p.Ala411Ser (NM_015083.4); short protein forms A411S.
Identifiers: ClinVar variation 3830541 (VCV003830541.1).

ClinVar aggregate classification (germline): Uncertain significance (1 of 4 stars; one submission).

Submission:

Ambry Genetics
Classification: Uncertain significance. Last evaluated: 2025-01-19. Review status: criteria provided, single submitter. Criteria: Ambry Variant Classification Scheme 2023. Collection method: clinical testing. Allele origin: germline.
Comment: The p.A411S variant (also known as c.1231G>T), located in coding exon 2 of the CDK12 gene, results from a G to T substitution at nucleotide position 1231. The alanine at codon 411 is replaced by serine, an amino acid with similar properties. This amino acid position is conserved. In addition, this alteration is predicted to be tolerated by in silico analysis. Based on the available evidence, the clinical significance of this variant remains unclear.